The following is an entry in ClinVar:

NM_000243.3(MEFV):c.306T>C (p.Asp102=)

Gene: MEFV (MEFV innate immunity regulator, pyrin; minus strand). Cytogenetic location: 16p13.3.
Variant type: single nucleotide variant.
Coding change: c.306T>C on transcript NM_000243.3 (MANE Select); coding-DNA position 306, T replaced by C.
Protein change: p.Asp102=; no amino-acid change (aspartic acid 102 retained).
Molecular consequence: synonymous variant. On other transcripts: intron variant (1).
Genome position (GRCh38, 1-based): chr16:3,254,762, A>G on the plus strand (T>C on the coding strand, the complement: MEFV is on the minus strand). VCF-style: chr16-3254762-A-G. GRCh37 (hg19) VCF-style: chr16-3304762-A-G.
Other names: p.Asp102=; c.277+1549T>C (NM_001198536.2).
Identifiers: ClinVar variation 36509 (VCV000036509.49), dbSNP rs224225, ClinGen allele CA280271.

ClinVar aggregate classification (germline): Benign/Likely benign. Review status: criteria provided, multiple submitters, no conflicts (2 of 4 stars). 19 submissions from 18 submitters: Benign (14); Likely benign (1). 4 of the submissions do not count toward it. Last evaluated 2026-02-04.

Conditions:
Autoinflammatory syndrome. Identifiers: Orphanet 93665, MedGen C3890737, MONDO:0019751.
Inborn genetic diseases. Identifiers: MedGen C0950123, MeSH D030342.
Familial Mediterranean fever, autosomal dominant. Also called: FMF, AUTOSOMAL DOMINANT; Dominant Familial Mediterranean Fever. Identifiers: Orphanet 342, MedGen C1851347, MONDO:0007601, OMIM 134610.
Familial Mediterranean fever (FMF). Also called: Periodic peritonitis; Benign paroxysmal peritonitis; POLYSEROSITIS, FAMILIAL PAROXYSMAL; POLYSEROSITIS, RECURRENT. Identifiers: Orphanet 342, MedGen C0031069, MONDO:0018088, OMIM 249100. Disease mechanism: gain of function.

Allele frequency attached by ClinVar (database versions not stated): 1000 Genomes Project 0.38938; gnomAD exomes 0.44346 and 0.45682; gnomAD 0.47275 and 0.48544; ESP Exome Variant Server 0.47631; 1000 Genomes Project 30x 0.40162; ExAC 0.43818; TOPMed 0.48126.
gnomAD v4.1: 737,360 of 1,612,084 alleles (46%); highest among the groups gnomAD compares: Admixed American, 60%; 175,423 homozygotes.

Submissions (19):

Labcorp Genetics (formerly Invitae), Labcorp
Classification: Benign for Familial Mediterranean fever. Last evaluated: 2026-02-04. Review status: criteria provided, single submitter. Criteria: Invitae Variant Classification Sherloc (09022015). Collection method: clinical testing. Allele origin: germline.

ARUP Laboratories, Molecular Genetics and Genomics, ARUP Laboratories
Classification: Benign. Last evaluated: 2025-07-31. Review status: criteria provided, single submitter. Criteria: ARUP Molecular Germline Variant Investigation Process 2024. Collection method: clinical testing. Allele origin: germline.

Blueprint Genetics
Classification: Likely benign. Last evaluated: 2024-11-27. Review status: criteria provided, single submitter. Criteria: ACMG Guidelines, 2015. Collection method: clinical testing. Allele origin: germline.

Unidad de Genómica Garrahan, Hospital de Pediatría Garrahan
Classification: Benign. Last evaluated: 2023-11-12. Review status: criteria provided, single submitter. Criteria: ACMG Guidelines, 2015. Collection method: clinical testing. Allele origin: germline. Affected: no. Observed: 84 variant alleles.
Comment: This variant is classified as Benign based on local population frequency. This variant was detected in 88% of patients studied by a panel of primary immunodeficiencies. Number of patients: 84. Only high quality variants are reported.

Mayo Clinic Laboratories, Mayo Clinic
Classification: Benign. Last evaluated: 2022-03-09. Review status: criteria provided, single submitter. Criteria: ACMG Guidelines, 2015. Collection method: clinical testing. Allele origin: germline. Observed: 975 variant alleles.

Genome-Nilou Lab
Classification: Benign for Familial Mediterranean fever, autosomal dominant. Last evaluated: 2021-07-01. Review status: criteria provided, single submitter. Criteria: ACMG Guidelines, 2015. Collection method: clinical testing. Allele origin: germline. Affected: no.

Genome-Nilou Lab
Classification: Benign for Familial Mediterranean fever. Last evaluated: 2021-07-01. Review status: criteria provided, single submitter. Criteria: ACMG Guidelines, 2015. Collection method: clinical testing. Allele origin: germline. Affected: no.

Illumina Laboratory Services, Illumina
Classification: Benign for Familial Mediterranean fever. Last evaluated: 2018-01-12. Review status: criteria provided, single submitter. Criteria: ICSL Variant Classification Criteria 13 December 2019. Collection method: clinical testing. Allele origin: germline.
Comment: This variant was observed in the ICSL laboratory as part of a predisposition screen in an ostensibly healthy population. It had not been previously curated by ICSL or reported in the Human Gene Mutation Database (HGMD: prior to June 1st, 2018), and was therefore a candidate for classification through an automated scoring system. Utilizing variant allele frequency, disease prevalence and penetrance estimates, and inheritance mode, an automated score was calculated to assess if this variant is too frequent to cause the disease. Based on the score and internal cut-off values, a variant classified as benign is not then subjected to further curation. The score for this variant resulted in a classification of benign for this disease.

Genome Diagnostics Laboratory, The Hospital for Sick Children
Classification: Benign for Autoinflammatory syndrome. Last evaluated: 2016-12-12. Review status: criteria provided, single submitter. Criteria: ACMG Guidelines, 2015. Collection method: clinical testing. Allele origin: germline. Affected: yes.

Ambry Genetics
Classification: Benign for Inborn genetic diseases. Last evaluated: 2016-10-08. Review status: criteria provided, single submitter. Criteria: Ambry Variant Classification Scheme 2023. Collection method: clinical testing. Allele origin: germline.

Eurofins Ntd Llc (ga)
Classification: Benign. Last evaluated: 2015-12-14. Review status: criteria provided, single submitter. Criteria: EGL Classification Definitions 2015. Collection method: clinical testing. Allele origin: germline. Observed: 3 variant alleles, 3 heterozygotes.

GeneDx
Classification: Benign. Last evaluated: 2015-03-03. Review status: criteria provided, single submitter. Criteria: GeneDx Variant Classification Process June 2021. Collection method: clinical testing. Allele origin: germline. Affected: yes.

Women's Health and Genetics/Laboratory Corporation of America, LabCorp
Classification: Benign for Familial Mediterranean Fever. Last evaluated: 2011-08-18. Review status: criteria provided, single submitter. Criteria: LabCorp Variant Classification Summary - May 2015. Collection method: curation, clinical testing. Allele origin: germline. Inheritance: autosomal unknown. Affected: yes.
ClinVar note: Converted during submission from benign to Benign.

Breakthrough Genomics
Classification: Benign. Review status: criteria provided, single submitter. Criteria: ACMG Guidelines, 2015. Collection method: not provided. Allele origin: germline. Inheritance: Autosomal recessive inheritance. Affected: yes.

PreventionGenetics, part of Exact Sciences
Classification: Benign. Review status: criteria provided, single submitter. Criteria: ACMG Guidelines, 2015. Collection method: clinical testing. Allele origin: germline.

Natera, Inc.
Classification: Benign for Familial Mediterranean fever. Last evaluated: 2020-09-16. Review status: no assertion criteria provided. Collection method: clinical testing. Allele origin: germline. Not counted in ClinVar's aggregate classification.

Department of Pathology and Laboratory Medicine, Sinai Health System
Classification: Uncertain significance. Review status: no assertion criteria provided. Collection method: clinical testing. Allele origin: unknown. Affected: yes. Study: The Canadian Open Genetics Repository (COGR). Not counted in ClinVar's aggregate classification.
Comment: Allele frequency is common in at least one population database (frequency: 61.662% in ExAC) based on the frequency threshold of 1.904% for this gene. Variant was observed in a homozygous state in population databases more than expected for disease. A synonymous variant not located in a splice region.

Diagnostic Laboratory, Department of Genetics, University Medical Center Groningen
Classification: Benign. Review status: no assertion criteria provided. Collection method: clinical testing. Allele origin: germline. Affected: yes. Study: VKGL Data-share Consensus. Not counted in ClinVar's aggregate classification.

Genome Diagnostics Laboratory, University Medical Center Utrecht
Classification: Benign. Review status: no assertion criteria provided. Collection method: clinical testing. Allele origin: germline. Affected: yes. Study: VKGL Data-share Consensus. Not counted in ClinVar's aggregate classification.

Literature cited by the submitters: PubMed 9288758 (cited by Women's Health and Genetics/Laboratory Corporation of America, LabCorp); PubMed 10364520 (cited by Women's Health and Genetics/Laboratory Corporation of America, LabCorp).